The following is an entry in ClinVar:

NM_000051.4(ATM):c.3335C>G (p.Pro1112Arg)

Gene: ATM (ATM serine/threonine kinase; plus strand). Cytogenetic location: 11q22.3.
Variant type: single nucleotide variant.
Coding change: c.3335C>G on transcript NM_000051.4 (MANE Select); coding-DNA position 3335, C replaced by G.
Protein change: p.Pro1112Arg; replaces proline 1112 with arginine.
Molecular consequence: missense variant.
Genome position (GRCh38, 1-based): chr11:108,279,541, C>G. VCF-style: chr11-108279541-C-G. GRCh37 (hg19) VCF-style: chr11-108150268-C-G.
Other names: c.3335C>G, p.Pro1112Arg (NM_001351834.2); short protein forms P1112R.
Identifiers: ClinVar variation 422545 (VCV000422545.26), dbSNP rs1064795850, ClinGen allele CA16619159.

ClinVar aggregate classification (germline): Uncertain significance. Review status: criteria provided, multiple submitters, no conflicts (2 of 4 stars). 5 submissions from 5 submitters: Uncertain significance (4). 1 of the submissions does not count toward it. Last evaluated 2025-04-12.

Conditions:
Hereditary cancer-predisposing syndrome. Also called: Hereditary neoplastic syndrome; Hereditary Cancer Syndrome; Neoplastic Syndromes, Hereditary; Tumor predisposition. Identifiers: Orphanet 140162, MedGen C0027672, MeSH D009386, MONDO:0015356.
Ataxia-telangiectasia syndrome (AT). Also called: Ataxia-telangiectasia, complementation group D; Cerebello-oculocutaneous telangiectasia; Immunodeficiency with ataxia telangiectasia; ATAXIA-TELANGIECTASIA, COMPLEMENTATION GROUP A; ATAXIA-TELANGIECTASIA, FRESNO VARIANT; LOUIS-BAR SYNDROME. Identifiers: Orphanet 100, MedGen C0004135, MONDO:0008840, OMIM 208900.

Allele frequency attached by ClinVar (database versions not stated): TOPMed below 0.00001.

Submissions (5):

Ambry Genetics
Classification: Uncertain significance for Hereditary cancer-predisposing syndrome. Last evaluated: 2025-04-12. Review status: criteria provided, single submitter. Criteria: Ambry Variant Classification Scheme 2023. Collection method: clinical testing. Allele origin: germline.
Comment: The p.P1112R variant (also known as c.3335C>G), located in coding exon 22 of the ATM gene, results from a C to G substitution at nucleotide position 3335. The proline at codon 1112 is replaced by arginine, an amino acid with dissimilar properties. This variant identified in a cohort of 3,579 African males diagnosed with prostate cancer who underwent multi-gene panel testing (Matejcic M et al. JCO Precis Oncol, 2020 Jan;4:32-43). This amino acid position is highly conserved in available vertebrate species. In addition, this alteration is predicted to be deleterious by in silico analysis. Since supporting evidence is limited at this time, the clinical significance of this alteration remains unclear.

Labcorp Genetics (formerly Invitae), Labcorp
Classification: Uncertain significance for Ataxia-telangiectasia syndrome. Last evaluated: 2023-09-17. Review status: criteria provided, single submitter. Criteria: Invitae Variant Classification Sherloc (09022015). Collection method: clinical testing. Allele origin: germline.
Comment: This sequence change replaces proline, which is neutral and non-polar, with arginine, which is basic and polar, at codon 1112 of the ATM protein (p.Pro1112Arg). This variant is not present in population databases (gnomAD no frequency). This variant has not been reported in the literature in individuals affected with ATM-related conditions. ClinVar contains an entry for this variant (Variation ID: 422545). An algorithm developed to predict the effect of missense changes on protein structure and function (PolyPhen-2) suggests that this variant is likely to be disruptive. In summary, the available evidence is currently insufficient to determine the role of this variant in disease. Therefore, it has been classified as a Variant of Uncertain Significance.

GeneDx
Classification: Uncertain significance. Last evaluated: 2022-08-29. Review status: criteria provided, single submitter. Criteria: GeneDx Variant Classification Process June 2021. Collection method: clinical testing. Allele origin: germline. Affected: yes.
Comment: Not observed at significant frequency in large population cohorts (gnomAD); In silico analysis supports that this missense variant does not alter protein structure/function; Has not been previously published as pathogenic or benign to our knowledge

Genetic Services Laboratory, University of Chicago
Classification: Uncertain significance. Last evaluated: 2017-05-02. Review status: criteria provided, single submitter. Criteria: ACMG Guidelines, 2015. Collection method: clinical testing. Allele origin: germline. Affected: no.

Natera, Inc.
Classification: Uncertain significance for Ataxia-telangiectasia. Last evaluated: 2021-06-07. Review status: no assertion criteria provided. Collection method: clinical testing. Allele origin: germline. Not counted in ClinVar's aggregate classification.

Literature cited by the submitters: PubMed 32832836 (cited by Ambry Genetics).